The following is an entry in ClinVar:

ClinVar aggregate classification (germline): Uncertain significance (1 of 4 stars; one submission).

Allele frequency attached by ClinVar (database versions not stated): gnomAD exomes below 0.00001.
gnomAD v4.1: 2 of 1,614,128 alleles (0.00012%); highest among the groups gnomAD compares: East Asian, 0.0022%; no homozygotes.

Submission:

GeneDx
Classification: Uncertain significance. Last evaluated: 2021-01-07. Review status: criteria provided, single submitter. Criteria: GeneDx Variant Classification Process June 2021. Collection method: clinical testing. Allele origin: germline. Affected: yes.
Comment: Not observed in large population cohorts (Lek et al., 2016); In silico analysis supports that this missense variant does not alter protein structure/function; Has not been previously published as pathogenic or benign to our knowledge

NM_138615.3(DHX30):c.3001G>A (p.Ala1001Thr)

Gene: DHX30 (DExH-box helicase 30; plus strand). Cytogenetic location: 3p21.31.
Variant type: single nucleotide variant.
Coding change: c.3001G>A on transcript NM_138615.3 (MANE Select); coding-DNA position 3001, G replaced by A.
Protein change: p.Ala1001Thr; replaces alanine 1001 with threonine.
Molecular consequence: missense variant.
Genome position (GRCh38, 1-based): chr3:47,849,263, G>A. VCF-style: chr3-47849263-G-A. GRCh37 (hg19) VCF-style: chr3-47890753-G-A.
Other names: c.2917G>A, p.Ala973Thr (NM_001330990.2); c.2884G>A, p.Ala962Thr (NM_014966.4); short protein forms A1001T, A962T, A973T.
Identifiers: ClinVar variation 1313843 (VCV001313843.2), dbSNP rs2107165900, ClinGen allele CA352593364.